The following is an entry in ClinVar:

ClinVar aggregate classification (germline): Likely pathogenic (1 of 4 stars; one submission).

Submission:

GeneDx
Classification: Likely pathogenic. Last evaluated: 2024-07-23. Review status: criteria provided, single submitter. Criteria: GeneDx Variant Classification Process June 2021. Collection method: clinical testing. Allele origin: germline. Affected: yes.
Comment: Frameshift variant predicted to result in abnormal protein length as the last 20 amino acids are replaced with 34 different amino acids, and other similar variants have been reported in HGMD; Not observed at significant frequency in large population cohorts (gnomAD); Has not been previously published as pathogenic or benign to our knowledge

NM_000266.4(NDP):c.338dup (p.Met114fs)

Genes: NDP (norrin cystine knot growth factor NDP; minus strand), NDP-AS1 (NDP antisense RNA 1; plus strand). Cytogenetic location: Xp11.3.
Variant type: Duplication.
Coding change: c.338dup on transcript NM_000266.4 (MANE Select); coding-DNA position 338, one base duplicated (G; older notation c.338dupG).
Protein change: p.Met114fs; shifts the reading frame from methionine 114.
Molecular consequence: frameshift variant. On other transcripts: non-coding transcript variant (1).
Genome position (GRCh38, 1-based): chrX:43,949,863, C duplicated on the plus strand (G on the coding strand, the reverse complement: NDP is on the minus strand); the first of 5 consecutive C bases (chrX:43,949,863-43,949,867); duplicating any one gives the same sequence. VCF-style (leftmost placement, unchanged base first): chrX-43949862-G-GC. GRCh37 (hg19) VCF-style: chrX-43809108-G-GC.
Other names: c.338dupG (NM_000266.3); c.338dup (NM_000266.3); short protein forms M114fs.
Identifiers: ClinVar variation 1218455 (VCV001218455.4), dbSNP rs2147204705, ClinGen allele CA2499226722.